The following is an entry in ClinVar:

NM_032119.4(ADGRV1):c.4793_4794del (p.Arg1598fs)

Gene: ADGRV1 (adhesion G protein-coupled receptor V1; plus strand). Cytogenetic location: 5q14.3.
Variant type: Microsatellite.
Coding change: c.4793_4794del on transcript NM_032119.4 (MANE Select); coding-DNA positions 4793 to 4794, 2 bases deleted (GA; older notation c.4793_4794delGA).
Protein change: p.Arg1598fs; shifts the reading frame from arginine 1598.
Molecular consequence: frameshift variant. On other transcripts: non-coding transcript variant (1).
Genome position (GRCh38, 1-based): chr5:90,672,586-90,672,587, GA deleted; deleting any 2 consecutive bases within chr5:90,672,582-90,672,587 gives the same sequence; the c. name uses the placement nearest the transcript's 3' end. VCF-style (leftmost placement, unchanged base first): chr5-90672581-TGA-T. GRCh37 (hg19) VCF-style: chr5-89968398-TGA-T.
Other names: short protein forms R1598fs.
Identifiers: ClinVar variation 2629823 (VCV002629823.1), dbSNP rs2530703270, ClinGen allele CA2695198696.
Genomic context (GRCh38, chr5:90,672,581, plus strand): 5'-ATTAATAATTTACATTCAATTTCAGATTGCAGAGGAGGGATCAACCATTTCTTGTGTGGT[TGA>T]GAGAACCAGAGGAGCTCTGGATTATGTGCATGTTTTTTACACCATTTCACAGATTGAAAC-3'

ClinVar aggregate classification (germline): Likely pathogenic (1 of 4 stars; one submission).

Conditions:
ADGRV1-related disorder. Also called: ADGRV1-related condition; ADGRV1-related disorders.

Submission:

PreventionGenetics, part of Exact Sciences
Classification: Likely pathogenic for ADGRV1-related condition. Last evaluated: 2023-01-10. Review status: criteria provided, single submitter. Criteria: ACMG Guidelines, 2015. Collection method: clinical testing. Allele origin: germline.
Comment: The ADGRV1 c.4793_4794delGA variant is predicted to result in a frameshift and premature protein termination (p.Arg1598Asnfs*18). To our knowledge, this variant has not been reported in the literature or in a large population database, indicating this variant is rare. Frameshift variants in ADGRV1 are expected to be pathogenic. This variant is interpreted as likely pathogenic.